The following is an entry in ClinVar:

NM_058179.4(PSAT1):c.373C>T (p.His125Tyr)

Gene: PSAT1 (phosphoserine aminotransferase 1; plus strand). Cytogenetic location: 9q21.2.
Variant type: single nucleotide variant.
Coding change: c.373C>T on transcript NM_058179.4 (MANE Select); coding-DNA position 373, C replaced by T.
Protein change: p.His125Tyr; replaces histidine 125 with tyrosine.
Molecular consequence: missense variant.
Genome position (GRCh38, 1-based): chr9:78,304,916, C>T. VCF-style: chr9-78304916-C-T. GRCh37 (hg19) VCF-style: chr9-80919832-C-T.
Other names: c.373C>T, p.His125Tyr (NM_021154.5); short protein forms H125Y.
Identifiers: ClinVar variation 976990 (VCV000976990.8), dbSNP rs997904439, ClinGen allele CA194441178.

ClinVar aggregate classification (germline): Uncertain significance. Review status: criteria provided, single submitter (1 of 4 stars). 2 submissions from 2 submitters: Uncertain significance (1). 1 of the submissions does not count toward it. Last evaluated 2021-08-30.

Conditions:
Neu-Laxova syndrome 2. Identifiers: Orphanet 2671, Orphanet 583602, MedGen C4015019, MONDO:0014466, OMIM 616038.

Allele frequency attached by ClinVar (database versions not stated): TOPMed below 0.00001; gnomAD 0.00001.
gnomAD v4.1: 3 of 1,612,632 alleles (0.00019%); highest among the groups gnomAD compares: Admixed American, 0.0033%; no homozygotes.

Submissions (2):

Labcorp Genetics (formerly Invitae), Labcorp
Classification: Uncertain significance for Neu-Laxova syndrome 2. Last evaluated: 2021-08-30. Review status: criteria provided, single submitter. Criteria: Invitae Variant Classification Sherloc (09022015). Collection method: clinical testing. Allele origin: germline.
Comment: This sequence change replaces histidine with tyrosine at codon 125 of the PSAT1 protein (p.His125Tyr). The histidine residue is moderately conserved and there is a moderate physicochemical difference between histidine and tyrosine. This variant is not present in population databases (ExAC no frequency). This variant has not been reported in the literature in individuals affected with PSAT1-related conditions. ClinVar contains an entry for this variant (Variation ID: 976990). Algorithms developed to predict the effect of missense changes on protein structure and function output the following: SIFT: "Tolerated"; PolyPhen-2: "Benign"; Align-GVGD: "Class C0". The tyrosine amino acid residue is found in multiple mammalian species, which suggests that this missense change does not adversely affect protein function. Experimental studies have shown that this missense change does not substantially affect PSAT1 function (PMID: 32077105). In summary, the available evidence is currently insufficient to determine the role of this variant in disease. Therefore, it has been classified as a Variant of Uncertain Significance.

Dudley Research Group, Pacific Northwest Research Institute
No classification provided. Review status: no classification provided. Collection method: research, in vivo. Allele origin: unknown, not applicable. Functional consequence: functionally_normal. Not counted in ClinVar's aggregate classification.

Literature cited by the submitters: PubMed 32077105 (cited by Labcorp Genetics (formerly Invitae), Labcorp).